The following is an entry in ClinVar:

NM_001563.4(IMPG1):c.888-12T>G

Gene: IMPG1 (interphotoreceptor matrix proteoglycan 1; minus strand). Cytogenetic location: 6q14.1.
Variant type: single nucleotide variant.
Coding change: c.888-12T>G on transcript NM_001563.4 (MANE Select); 12 bases into the intron before coding-DNA position 888, T replaced by G.
Molecular consequence: intron variant.
Genome position (GRCh38, 1-based): chr6:76,005,546, A>C on the plus strand (T>G on the coding strand, the complement: IMPG1 is on the minus strand). VCF-style: chr6-76005546-A-C. GRCh37 (hg19) VCF-style: chr6-76715263-A-C.
Other names: c.654-12T>G (NM_001282368.2).
Identifiers: ClinVar variation 1168716 (VCV001168716.18), dbSNP rs184144177, ClinGen allele CA3898273.

ClinVar aggregate classification (germline): Conflicting classifications of pathogenicity. Review status: criteria provided, conflicting classifications (1 of 4 stars). 3 submissions from 3 submitters: Uncertain significance (1); Benign (1); Likely benign (1). Last evaluated 2026-08-01.

Allele frequency attached by ClinVar (database versions not stated): 1000 Genomes Project 30x 0.00156; 1000 Genomes Project 0.00160; TOPMed 0.00363; gnomAD 0.00413 and 0.00432; ExAC 0.00457; gnomAD exomes 0.00458; ESP Exome Variant Server 0.00461.
gnomAD v4.1: 9,607 of 1,612,268 alleles (0.6%); highest among the groups gnomAD compares: Non-Finnish European, 0.75%; 37 homozygotes.

Submissions (4):

CeGaT Center for Human Genetics Tuebingen
Classification: Likely benign. Last evaluated: 2026-08-01. Review status: criteria provided, single submitter. Criteria: CeGaT Center For Human Genetics Tuebingen Variant Classification Criteria Version 2. Collection method: clinical testing. Allele origin: germline. Affected: yes. Observed: 2 variant alleles.
Comment: IMPG1: BS2

Labcorp Genetics (formerly Invitae), Labcorp
Classification: Benign. Last evaluated: 2026-02-01. Review status: criteria provided, single submitter. Criteria: Invitae Variant Classification Sherloc (09022015). Collection method: clinical testing. Allele origin: germline.

GeneDx
Classification: Uncertain significance. Last evaluated: 2024-11-03. Review status: criteria provided, single submitter. Criteria: GeneDx Variant Classification Process June 2021. Collection method: clinical testing. Allele origin: germline. Affected: yes.
Comment: Has not been previously published as pathogenic or benign to our knowledge; In silico analysis is inconclusive as to whether the variant alters gene splicing. In the absence of RNA/functional studies, the actual effect of this sequence change is unknown.

Dr. Peter K. Rogan Lab, Western University
No classification provided (evidence only). Condition: Gastric cancer. Review status: no classification provided. Collection method: in vitro. Allele origin: not applicable. Functional consequence: retained intron. Not counted in ClinVar's aggregate classification.